The following is an entry in ClinVar:

NM_020829.4(RIC1):c.2334G>A (p.Pro778=)

Genes: RIC1 (RIC1 partner of RAB6A GEF complex; plus strand), LOC126860568 (CDK7 strongly-dependent group 2 enhancer GRCh37_chr9:5762408-5763607; plus strand). Cytogenetic location: 9p24.1.
Variant type: single nucleotide variant.
Coding change: c.2334G>A on transcript NM_020829.4 (MANE Select); coding-DNA position 2334, G replaced by A.
Protein change: p.Pro778=; no amino-acid change (proline 778 retained).
Molecular consequence: synonymous variant.
Genome position (GRCh38, 1-based): chr9:5,763,361, G>A. VCF-style: chr9-5763361-G-A. GRCh37 (hg19) VCF-style: chr9-5763361-G-A.
Other names: c.2334G>A, p.Pro778= (NM_001135920.4); c.2223G>A, p.Pro741= (NM_001206557.2).
Identifiers: ClinVar variation 3770509 (VCV003770509.14).

ClinVar aggregate classification (germline): Likely benign. Review status: criteria provided, multiple submitters, no conflicts (2 of 4 stars). 2 submissions from 2 submitters: Likely benign (2). Last evaluated 2024-12-01.

gnomAD v4.1: 767 of 1,614,090 alleles (0.048%); highest among the groups gnomAD compares: Non-Finnish European, 0.027%; 1 homozygote.

Submissions (2):

CeGaT Center for Human Genetics Tuebingen
Classification: Likely benign. Last evaluated: 2024-12-01. Review status: criteria provided, single submitter. Criteria: CeGaT Center For Human Genetics Tuebingen Variant Classification Criteria Version 2. Collection method: clinical testing. Allele origin: germline. Affected: yes. Observed: 1 variant allele.
Comment: RIC1: BP4, BP7

Blueprint Genetics
Classification: Likely benign. Last evaluated: 2024-11-21. Review status: criteria provided, single submitter. Criteria: ACMG Guidelines, 2015. Collection method: clinical testing. Allele origin: germline.